The following is an entry in ClinVar:

NM_145290.4(ADGRA3):c.3366del (p.Ala1123fs)

Gene: ADGRA3 (adhesion G protein-coupled receptor A3; minus strand). Cytogenetic location: 4p15.2.
Variant type: Deletion.
Coding change: c.3366del on transcript NM_145290.4 (MANE Select); coding-DNA position 3366, one base deleted (A; older notation c.3366delA).
Protein change: p.Ala1123fs; shifts the reading frame from alanine 1123.
Molecular consequence: frameshift variant.
Genome position (GRCh38, 1-based): chr4:22,388,305, T deleted on the plus strand (A on the coding strand, the reverse complement: ADGRA3 is on the minus strand). VCF-style (leftmost placement, unchanged base first): chr4-22388304-CT-C. GRCh37 (hg19) VCF-style: chr4-22389927-CT-C.
Other names: short protein forms A1123fs.
Identifiers: ClinVar variation 1487132 (VCV001487132.6), dbSNP rs2108988833, ClinGen allele CA2573137646.

ClinVar aggregate classification (germline): Uncertain significance (1 of 4 stars; one submission).

Submission:

Labcorp Genetics (formerly Invitae), Labcorp
Classification: Uncertain significance. Last evaluated: 2025-07-07. Review status: criteria provided, single submitter. Criteria: Invitae Variant Classification Sherloc (09022015). Collection method: clinical testing. Allele origin: germline.
Comment: This sequence change creates a premature translational stop signal (p.Ala1123Leufs*10) in the ADGRA3 gene. While this is not anticipated to result in nonsense mediated decay, it is expected to disrupt the last 199 amino acid(s) of the ADGRA3 protein. This variant is not present in population databases (gnomAD no frequency). This variant has not been reported in the literature in individuals affected with ADGRA3-related conditions. ClinVar contains an entry for this variant (Variation ID: 1487132). Experimental studies and prediction algorithms are not available or were not evaluated, and the functional significance of this variant is currently unknown. In summary, the available evidence is currently insufficient to determine the role of this variant in disease. Therefore, it has been classified as a Variant of Uncertain Significance.